The following is an entry in ClinVar:

NM_000238.4(KCNH2):c.1713C>T (p.Ile571=)

Gene: KCNH2 (potassium voltage-gated channel subfamily H member 2; minus strand). Cytogenetic location: 7q36.1.
Variant type: single nucleotide variant.
Coding change: c.1713C>T on transcript NM_000238.4 (MANE Select); coding-DNA position 1713, C replaced by T.
Protein change: p.Ile571=; no amino-acid change (isoleucine 571 retained).
Molecular consequence: synonymous variant. On other transcripts: non-coding transcript variant (2).
Genome position (GRCh38, 1-based): chr7:150,951,680, G>A on the plus strand (C>T on the coding strand, the complement: KCNH2 is on the minus strand). VCF-style: chr7-150951680-G-A. GRCh37 (hg19) VCF-style: chr7-150648768-G-A.
Other names: c.693C>T, p.Ile231= (NM_001204798.2, NM_172057.3); c.1425C>T, p.Ile475= (NM_001406753.1, NM_001406756.1); c.1536C>T, p.Ile512= (NM_001406755.1); c.1413C>T, p.Ile471= (NM_001406757.1); c.1713C>T, p.Ile571= (NM_172056.3).
Identifiers: ClinVar variation 696828 (VCV000696828.20), dbSNP rs768652751, ClinGen allele CA029273.

ClinVar aggregate classification (germline): Conflicting classifications of pathogenicity. Review status: criteria provided, conflicting classifications (1 of 4 stars). 5 submissions from 5 submitters: Uncertain significance (1); Likely benign (4). Last evaluated 2025-12-16.

Conditions:
Long QT syndrome (LQTS). Identifiers: MedGen C0023976, MeSH D008133, MONDO:0002442. Disease mechanism: loss of function. Inheritance: Various modes of inheritance.
Short QT syndrome type 1. Identifiers: Orphanet 51083, MedGen C1865020, MONDO:0012312, OMIM 609620.
Long QT syndrome 2 (LQT2). Identifiers: Orphanet 101016, Orphanet 768, MedGen C3150943, MONDO:0013367, OMIM 613688.
Cardiac arrhythmia. Also called: Arrhythmia; Cardiac rhythm disease. Identifiers: MedGen C0003811, MONDO:0007263, HP:0011675.
Cardiovascular phenotype. Identifiers: MedGen CN230736.

Allele frequency attached by ClinVar (database versions not stated): gnomAD 0.00001; gnomAD exomes 0.00001 and 0.00003; ExAC 0.00002; TOPMed 0.00003.

Submissions (5):

Labcorp Genetics (formerly Invitae), Labcorp
Classification: Likely benign for Long QT syndrome. Last evaluated: 2025-12-16. Review status: criteria provided, single submitter. Criteria: Invitae Variant Classification Sherloc (09022015). Collection method: clinical testing. Allele origin: germline.

All of Us Research Program, National Institutes of Health
Classification: Likely benign for Long QT syndrome. Last evaluated: 2024-02-05. Review status: criteria provided, single submitter. Criteria: ACMG Guidelines, 2015. Collection method: clinical testing. Allele origin: germline. Inheritance: Autosomal dominant inheritance. Observed: 9 variant alleles, 9 heterozygotes.
Comment: This study involves interpretation of variants in research participants for the purpose of population health screening. Participant phenotype was not available at the time of variant classification. Additional details can be found in publication PMID: 35346344, PMCID: PMC8962531

Color Diagnostics, LLC DBA Color Health
Classification: Likely benign for Arrhythmia. Last evaluated: 2019-12-16. Review status: criteria provided, single submitter. Criteria: ACMG Guidelines, 2015. Collection method: clinical testing. Allele origin: germline.

Ambry Genetics
Classification: Likely benign for Cardiovascular phenotype. Last evaluated: 2019-10-06. Review status: criteria provided, single submitter. Criteria: Ambry Variant Classification Scheme 2023. Collection method: clinical testing. Allele origin: germline.

Center for Genomics, Ann and Robert H. Lurie Children's Hospital of Chicago
Classification: Uncertain significance for Short QT syndrome type 1; Long QT syndrome 2. Review status: criteria provided, single submitter. Criteria: ACMG Guidelines, 2015. Collection method: clinical testing. Allele origin: germline.
Comment: KCNH2 NM_000238.3 exon 7 p.Ile571= (c.1713C>T):This variant is present in the Genome Aggregation Database (Highest reported MAF 0.002% (1/41466). This variant is present in ClinVar, with multiple labs classifying this variant as Likely benign (Variation ID:696828). Evolutionary conservation and computational predictive tools for this variant are limited or unavailable. Other variants at this position have been reported in association with disease suggesting functional importance of this residue. However, this variant is a silent variant and does not change the amino acid, reducing the probability that this variant is disease causing. In summary, data on this variant is insufficient for disease classification. Therefore, the clinical significance of this variant is uncertain.